The following is an entry in ClinVar:

NM_000512.5(GALNS):c.1055T>C (p.Leu352Pro)

Gene: GALNS (galactosamine (N-acetyl)-6-sulfatase; minus strand). Cytogenetic location: 16q24.3.
Variant type: single nucleotide variant.
Coding change: c.1055T>C on transcript NM_000512.5 (MANE Select); coding-DNA position 1055, T replaced by C.
Protein change: p.Leu352Pro; replaces leucine 352 with proline.
Molecular consequence: missense variant.
Genome position (GRCh38, 1-based): chr16:88,826,786, A>G on the plus strand (T>C on the coding strand, the complement: GALNS is on the minus strand). VCF-style: chr16-88826786-A-G. GRCh37 (hg19) VCF-style: chr16-88893194-A-G.
Other names: c.500T>C, p.Leu167Pro (NM_001323543.2); c.1073T>C, p.Leu358Pro (NM_001323544.2); short protein forms L167P, L352P, L358P.
Identifiers: ClinVar variation 1048489 (VCV001048489.9), dbSNP rs2142995830, ClinGen allele CA397098451.
Genomic context (GRCh38, chr16:88,826,786, plus strand): 5'-AGGGTGGGGAGGAGGTTGAGGCCATCAATGGCCCTGTCGCTGGGCGGCGTCAGGCCCGCA[A>G]GGGCCAGGCTGGTGGTGAAGAGGTCCATGATGCTGCCCAGCTGGTGGCTCACCTGAAACA-3'
Protein context (NP_000503.1, residues 342-362): IMDLFTTSLA[Leu352Pro]AGLTPPSDRA

ClinVar aggregate classification (germline): Uncertain significance. Review status: criteria provided, multiple submitters, no conflicts (2 of 4 stars). 3 submissions from 3 submitters: Uncertain significance (3). Last evaluated 2025-02-17.

Conditions:
Mucopolysaccharidosis, MPS-IV-A (MPS4A). Also called: Mucopolysaccharidosis type IV A; Mucopolysaccharidosis Type IVA; Morquio syndrome A, mild; MORQUIO SYNDROME A; MPS IVA; mucopolysaccharidosis type 4A. Identifiers: Orphanet 309297, Orphanet 582, MedGen C0086651, MONDO:0009659, OMIM 253000.

Submissions (3):

Women's Health and Genetics/Laboratory Corporation of America, LabCorp
Classification: Uncertain significance. Last evaluated: 2025-02-17. Review status: criteria provided, single submitter. Criteria: LabCorp Variant Classification Summary - May 2015. Collection method: clinical testing. Allele origin: germline.
Comment: Variant summary: GALNS c.1055T>C (p.Leu352Pro) results in a non-conservative amino acid change located in the Sulfatase domain (IPR000917) of the encoded protein sequence. Five of five in-silico tools predict a damaging effect of the variant on protein function. The variant was absent in 223600 control chromosomes. c.1055T>C has been reported in the literature in compound heterozygous individuals affected with Mucopolysaccharidosis Type IVA (Morquio Syndrome A) (e.g. Tomatsu_2004, Kecskemethy_2016). These data indicate that the variant may be associated with disease. To our knowledge, no experimental evidence demonstrating an impact on protein function has been reported. The following publications have been ascertained in the context of this evaluation (PMID: 26670863, 15235041). ClinVar contains an entry for this variant (Variation ID: 1048489). Based on the evidence outlined above, the variant was classified as VUS-possibly pathogenic.

Labcorp Genetics (formerly Invitae), Labcorp
Classification: Uncertain significance for Mucopolysaccharidosis, MPS-IV-A. Last evaluated: 2022-09-13. Review status: criteria provided, single submitter. Criteria: Invitae Variant Classification Sherloc (09022015). Collection method: clinical testing. Allele origin: germline.
Comment: This sequence change replaces leucine, which is neutral and non-polar, with proline, which is neutral and non-polar, at codon 352 of the GALNS protein (p.Leu352Pro). This variant is not present in population databases (gnomAD no frequency). This missense change has been observed in individual(s) with mucopolysaccharidosis IVA (PMID: 15235041). ClinVar contains an entry for this variant (Variation ID: 1048489). Advanced modeling of protein sequence and biophysical properties (such as structural, functional, and spatial information, amino acid conservation, physicochemical variation, residue mobility, and thermodynamic stability) performed at Invitae indicates that this missense variant is expected to disrupt GALNS protein function. In summary, the available evidence is currently insufficient to determine the role of this variant in disease. Therefore, it has been classified as a Variant of Uncertain Significance.

Laboratory of Diagnosis and Therapy of Lysosomal Disorders, University of Padova
Classification: Uncertain significance for Mucopolysaccharidosis, MPS-IV-A. Last evaluated: 2021-02-01. Review status: criteria provided, single submitter. Criteria: ACMG Guidelines, 2015. Collection method: curation. Allele origin: germline. Affected: yes.
Comment: Absent from gnomAD v2.1.1 (PM2_moderate); multiple lines of computational evidence support a deleterious effect on the gene (PP3_supporting)

Literature cited by the submitters: PubMed 15235041 (cited by 3 submitters); PubMed 26670863 (cited by Women's Health and Genetics/Laboratory Corporation of America, LabCorp); PubMed 16287098 (cited by Laboratory of Diagnosis and Therapy of Lysosomal Disorders, University of Padova); PubMed 34387910 (cited by Laboratory of Diagnosis and Therapy of Lysosomal Disorders, University of Padova).